The following is an entry in ClinVar:

NM_000535.7(PMS2):c.491C>T (p.Ser164Phe)

Gene: PMS2 (PMS1 homolog 2, mismatch repair system component; minus strand). Cytogenetic location: 7p22.1.
Variant type: single nucleotide variant.
Coding change: c.491C>T on transcript NM_000535.7 (MANE Select); coding-DNA position 491, C replaced by T.
Protein change: p.Ser164Phe; replaces serine 164 with phenylalanine.
Molecular consequence: missense variant. On other transcripts: 5 prime UTR variant (2), non-coding transcript variant (1).
Genome position (GRCh38, 1-based): chr7:6,002,499, G>A on the plus strand (C>T on the coding strand, the complement: PMS2 is on the minus strand). VCF-style: chr7-6002499-G-A. GRCh37 (hg19) VCF-style: chr7-6042130-G-A.
Other names: c.86C>T, p.Ser29Phe (NM_001018040.1, NM_001322003.2, NM_001322004.2 and 25 more transcripts); c.491C>T, p.Ser164Phe (NM_001322006.2, NM_001322014.2, NM_001406869.1 and 8 more transcripts); c.173C>T, p.Ser58Phe (NM_001322007.2, NM_001322008.2, NM_001406876.1 and 4 more transcripts); c.-394C>T (NM_001322011.2, NM_001322012.2); c.182C>T, p.Ser61Phe (NM_001322015.2, NM_001406875.1, NM_001406877.1 and 6 more transcripts); c.677C>T, p.Ser226Phe (NM_001406866.1); c.515C>T, p.Ser172Phe (NM_001406868.1); short protein forms S29F, S172F, S164F, S58F, S226F, S61F.
Identifiers: ClinVar variation 1744104 (VCV001744104.2), dbSNP rs2536437328, ClinGen allele CA366744242.
Genomic context (GRCh38, chr7:6,002,499, plus strand): 5'-TTAATTTACTGTACCTTCTTAATATTCCTTTGAAATTCCTTATGGCGCACAGGTAGTGTG[G>A]AAAATAACTGCTGCACGCTGACTGTGGTCCCTCTGGGGCGGGGGTAGGGGGTTTTCTGGA-3'
Protein context (NP_000526.2, residues 154-174): GTTVSVQQLF[Ser164Phe]TLPVRHKEFQ

ClinVar aggregate classification (germline): Uncertain significance (1 of 4 stars; one submission).

Conditions:
Hereditary cancer-predisposing syndrome. Also called: Hereditary Cancer Syndrome; Neoplastic Syndromes, Hereditary; Tumor predisposition; Hereditary neoplastic syndrome. Identifiers: Orphanet 140162, MedGen C0027672, MeSH D009386, MONDO:0015356.

Submission:

Ambry Genetics
Classification: Uncertain significance for Hereditary cancer-predisposing syndrome. Last evaluated: 2021-06-08. Review status: criteria provided, single submitter. Criteria: Ambry Variant Classification Scheme 2023. Collection method: clinical testing. Allele origin: germline.
Comment: The p.S164F variant (also known as c.491C>T), located in coding exon 5 of the PMS2 gene, results from a C to T substitution at nucleotide position 491. The serine at codon 164 is replaced by phenylalanine, an amino acid with highly dissimilar properties. This amino acid position is poorly conserved in available vertebrate species. In addition, this alteration is predicted to be tolerated by in silico analysis. Since supporting evidence is limited at this time, the clinical significance of this alteration remains unclear.